The following is an entry in ClinVar:

NM_001082486.2(ACD):c.550G>A (p.Ala184Thr)

Gene: ACD (ACD shelterin complex subunit and telomerase recruitment factor; minus strand). Cytogenetic location: 16q22.1.
Variant type: single nucleotide variant.
Coding change: c.550G>A on transcript NM_001082486.2 (MANE Select); coding-DNA position 550, G replaced by A.
Protein change: p.Ala184Thr; replaces alanine 184 with threonine.
Molecular consequence: missense variant.
Genome position (GRCh38, 1-based): chr16:67,659,023, C>T on the plus strand (G>A on the coding strand, the complement: ACD is on the minus strand). VCF-style: chr16-67659023-C-T. GRCh37 (hg19) VCF-style: chr16-67692926-C-T.
Other names: c.550G>A, p.Ala184Thr (NM_001410884.1); c.541G>A, p.Ala181Thr (NM_022914.3); short protein forms A181T, A184T.
Identifiers: ClinVar variation 3232683 (VCV003232683.1), dbSNP rs2543603786, ClinGen allele CA396354221.

ClinVar aggregate classification (germline): Uncertain significance (1 of 4 stars; one submission).

Conditions:
Inborn genetic diseases. Identifiers: MedGen C0950123, MeSH D030342.

Submission:

Ambry Genetics
Classification: Uncertain significance for Inborn genetic diseases. Last evaluated: 2024-02-11. Review status: criteria provided, single submitter. Criteria: Ambry Variant Classification Scheme 2023. Collection method: clinical testing. Allele origin: germline.
Comment: The p.A270T variant (also known as c.808G>A), located in coding exon 7 of the ACD gene, results from a G to A substitution at nucleotide position 808. The alanine at codon 270 is replaced by threonine, an amino acid with similar properties. This amino acid position is conserved. In addition, this alteration is predicted to be tolerated by in silico analysis. Based on the available evidence, the clinical significance of this alteration remains unclear.